The following is an entry in ClinVar:

NM_006019.4(TCIRG1):c.1093A>G (p.Asn365Asp)

Gene: TCIRG1 (T cell immune regulator 1, ATPase H+ transporting V0 subunit a3; plus strand). Cytogenetic location: 11q13.2.
Variant type: single nucleotide variant.
Coding change: c.1093A>G on transcript NM_006019.4 (MANE Select); coding-DNA position 1093, A replaced by G.
Protein change: p.Asn365Asp; replaces asparagine 365 with aspartic acid.
Molecular consequence: missense variant.
Genome position (GRCh38, 1-based): chr11:68,045,030, A>G. VCF-style: chr11-68045030-A-G. GRCh37 (hg19) VCF-style: chr11-67812497-A-G.
Other names: c.199A>G, p.Asn67Asp (NM_001351059.2); c.445A>G, p.Asn149Asp (NM_006053.4); short protein forms N149D, N67D, N365D.
Identifiers: ClinVar variation 2339151 (VCV002339151.5), dbSNP rs779330162, ClinGen allele CA6146943.

ClinVar aggregate classification (germline): Uncertain significance. Review status: criteria provided, multiple submitters, no conflicts (2 of 4 stars). 2 submissions from 2 submitters: Uncertain significance (2). Last evaluated 2025-10-02.

Conditions:
Inborn genetic diseases. Identifiers: MedGen C0950123, MeSH D030342.

Allele frequency attached by ClinVar (database versions not stated): gnomAD exomes 0.00001; ExAC 0.00003; gnomAD 0.00003; TOPMed 0.00003.
gnomAD v4.1: 9 of 1,607,636 alleles (0.00056%); highest among the groups gnomAD compares: African/African-American, 0.012%; no homozygotes.

Submissions (2):

Ambry Genetics
Classification: Uncertain significance for Inborn genetic diseases. Last evaluated: 2025-10-02. Review status: criteria provided, single submitter. Criteria: Ambry Variant Classification Scheme 2023. Collection method: clinical testing. Allele origin: germline.

Labcorp Genetics (formerly Invitae), Labcorp
Classification: Uncertain significance. Last evaluated: 2024-03-03. Review status: criteria provided, single submitter. Criteria: Invitae Variant Classification Sherloc (09022015). Collection method: clinical testing. Allele origin: germline.
Comment: This sequence change replaces asparagine, which is neutral and polar, with aspartic acid, which is acidic and polar, at codon 365 of the TCIRG1 protein (p.Asn365Asp). This variant is present in population databases (rs779330162, gnomAD 0.04%). This variant has not been reported in the literature in individuals affected with TCIRG1-related conditions. ClinVar contains an entry for this variant (Variation ID: 2339151). Advanced modeling of protein sequence and biophysical properties (such as structural, functional, and spatial information, amino acid conservation, physicochemical variation, residue mobility, and thermodynamic stability) performed at Invitae indicates that this missense variant is not expected to disrupt TCIRG1 protein function with a negative predictive value of 80%. In summary, the available evidence is currently insufficient to determine the role of this variant in disease. Therefore, it has been classified as a Variant of Uncertain Significance.